The following is an entry in ClinVar:

ClinVar aggregate classification (germline): Uncertain significance (1 of 4 stars; one submission).

Conditions:
Symmetrical dyschromatosis of extremities (DSH). Also called: DYSCHROMATOSIS SYMMETRICA HEREDITARIA 1; Dyschromatosis symmetrica hereditaria; RETICULATE ACROPIGMENTATION OF DOHI; SYMMETRIC DYSCHROMATOSIS OF THE EXTREMITIES. Identifiers: Orphanet 41, MedGen C0406775, MONDO:0007483, OMIM 127400.
Aicardi-Goutieres syndrome 6 (AGS6). Identifiers: Orphanet 51, MedGen C3539013, MONDO:0014007, OMIM 615010.

Allele frequency attached by ClinVar (database versions not stated): TOPMed below 0.00001.

Submission:

Labcorp Genetics (formerly Invitae), Labcorp
Classification: Uncertain significance for Aicardi-Goutieres syndrome 6; Symmetrical dyschromatosis of extremities. Last evaluated: 2024-02-06. Review status: criteria provided, single submitter. Criteria: Invitae Variant Classification Sherloc (09022015). Collection method: clinical testing. Allele origin: germline.
Comment: This sequence change replaces glutamic acid, which is acidic and polar, with valine, which is neutral and non-polar, at codon 45 of the ADAR protein (p.Glu45Val). This variant is not present in population databases (gnomAD no frequency). This variant has not been reported in the literature in individuals affected with ADAR-related conditions. ClinVar contains an entry for this variant (Variation ID: 2013062). An algorithm developed to predict the effect of missense changes on protein structure and function (PolyPhen-2) suggests that this variant is likely to be disruptive. In summary, the available evidence is currently insufficient to determine the role of this variant in disease. Therefore, it has been classified as a Variant of Uncertain Significance.

NM_001111.5(ADAR):c.134A>T (p.Glu45Val)

Gene: ADAR (adenosine deaminase RNA specific; minus strand). Cytogenetic location: 1q21.3.
Variant type: single nucleotide variant.
Coding change: c.134A>T on transcript NM_001111.5 (MANE Select); coding-DNA position 134, A replaced by T.
Protein change: p.Glu45Val; replaces glutamic acid 45 with valine.
Molecular consequence: missense variant. On other transcripts: 5 prime UTR variant (6).
Genome position (GRCh38, 1-based): chr1:154,602,508, T>A on the plus strand (A>T on the coding strand, the complement: ADAR is on the minus strand). VCF-style: chr1-154602508-T-A. GRCh37 (hg19) VCF-style: chr1-154574984-T-A.
Other names: c.-752A>T (NM_001025107.3, NM_001193495.2, NM_001365048.1); c.161A>T, p.Glu54Val (NM_001365045.1); c.-616A>T (NM_001365046.1, NM_001365047.1, NM_001365049.1); c.134A>T, p.Glu45Val (NM_015840.4, NM_015841.4); short protein forms E54V, E45V.
Identifiers: ClinVar variation 2013062 (VCV002013062.4), dbSNP rs1697953231, ClinGen allele CA342606630.
Genomic context (GRCh38, chr1:154,602,508, plus strand): 5'-GGCAGTGACGGTGTCTGCTTTCCAATCACCGGTGCTTCTGGGAGCTGCCCCTTGAGAAAT[T>A]CTATTTGCTTAAGCAGGAAACTACTGGGGGAAGATCCTGGCCCAGGCTGCTGGTACCTGA-3'
Protein context (NP_001102.3, residues 35-55): SPSSFLLKQI[Glu45Val]FLKGQLPEAP